The following is an entry in ClinVar:

NM_138576.4(BCL11B):c.359C>A (p.Thr120Asn)

Gene: BCL11B (BCL11 transcription factor B; minus strand). Cytogenetic location: 14q32.2.
Variant type: single nucleotide variant.
Coding change: c.359C>A on transcript NM_138576.4 (MANE Select); coding-DNA position 359, C replaced by A.
Protein change: p.Thr120Asn; replaces threonine 120 with asparagine.
Molecular consequence: missense variant.
Genome position (GRCh38, 1-based): chr14:99,257,539, G>T on the plus strand (C>A on the coding strand, the complement: BCL11B is on the minus strand). VCF-style: chr14-99257539-G-T. GRCh37 (hg19) VCF-style: chr14-99723876-G-T.
Other names: c.356C>A, p.Thr119Asn (NM_001282237.2, NM_001282238.2); c.359C>A, p.Thr120Asn (NM_022898.3); short protein forms T119N, T120N.
Identifiers: ClinVar variation 4762040 (VCV004762040.1).
Genomic context (GRCh38, chr14:99,257,539, plus strand): 5'-TTCTCCTGCTTGGGACAGATGCCTTTCGTGGGTGAGAGCAGGTGGTCATCTTCGTCGGGG[G>T]TGACTTGGATCCCGATCTCCACCGGCTCGGACACTTTCCTGAGCTCGGAGCGTGAGGAGG-3'
Protein context (NP_612808.1, residues 110-130): SEPVEIGIQV[Thr120Asn]PDEDDHLLSP

ClinVar aggregate classification (germline): Uncertain significance (1 of 4 stars; one submission).

gnomAD v4.1: 1 of 1,613,844 alleles (0.000062%); highest among the groups gnomAD compares: Non-Finnish European, 0.000085%; no homozygotes.

Submission:

Labcorp Genetics (formerly Invitae), Labcorp
Classification: Uncertain significance. Last evaluated: 2025-06-18. Review status: criteria provided, single submitter. Criteria: Invitae Variant Classification Sherloc (09022015). Collection method: clinical testing. Allele origin: germline.
Comment: This sequence change replaces threonine, which is neutral and polar, with asparagine, which is neutral and polar, at codon 120 of the BCL11B protein (p.Thr120Asn). This variant is not present in population databases (gnomAD no frequency). This variant has not been reported in the literature in individuals affected with BCL11B-related conditions. Invitae Evidence Modeling of protein sequence and biophysical properties (such as structural, functional, and spatial information, amino acid conservation, physicochemical variation, residue mobility, and thermodynamic stability) has been performed for this missense variant. However, the output from this modeling did not meet the statistical confidence thresholds required to predict the impact of this variant on BCL11B protein function. In summary, the available evidence is currently insufficient to determine the role of this variant in disease. Therefore, it has been classified as a Variant of Uncertain Significance.